The following is an entry in ClinVar:

ClinVar aggregate classification (germline): Uncertain significance. Review status: criteria provided, multiple submitters, no conflicts (2 of 4 stars). 2 submissions from 2 submitters: Uncertain significance (2). Last evaluated 2025-07-14.

Conditions:
Inborn genetic diseases. Identifiers: MedGen C0950123, MeSH D030342.

Allele frequency attached by ClinVar (database versions not stated): ExAC 0.00002; TOPMed 0.00002; gnomAD 0.00003; gnomAD exomes 0.00004.
gnomAD v4.1: 64 of 1,613,762 alleles (0.004%); highest among the groups gnomAD compares: Non-Finnish European, 0.0048%; no homozygotes.

Submissions (2):

Ambry Genetics
Classification: Uncertain significance for Inborn genetic diseases. Last evaluated: 2025-07-14. Review status: criteria provided, single submitter. Criteria: Ambry Variant Classification Scheme 2023. Collection method: clinical testing. Allele origin: germline.

Labcorp Genetics (formerly Invitae), Labcorp
Classification: Uncertain significance. Last evaluated: 2022-07-03. Review status: criteria provided, single submitter. Criteria: Invitae Variant Classification Sherloc (09022015). Collection method: clinical testing. Allele origin: germline.
Comment: This sequence change replaces threonine, which is neutral and polar, with alanine, which is neutral and non-polar, at codon 441 of the TRIM37 protein (p.Thr441Ala). This variant is present in population databases (rs774566905, gnomAD 0.01%). This variant has not been reported in the literature in individuals affected with TRIM37-related conditions. Algorithms developed to predict the effect of missense changes on protein structure and function are either unavailable or do not agree on the potential impact of this missense change (SIFT: "Not Available"; PolyPhen-2: "Benign"; Align-GVGD: "Not Available"). In summary, the available evidence is currently insufficient to determine the role of this variant in disease. Therefore, it has been classified as a Variant of Uncertain Significance.

NM_015294.6(TRIM37):c.1321A>G (p.Thr441Ala)

Gene: TRIM37 (tripartite motif containing 37; minus strand). Cytogenetic location: 17q22.
Variant type: single nucleotide variant.
Coding change: c.1321A>G on transcript NM_015294.6 (MANE Select); coding-DNA position 1321, A replaced by G.
Protein change: p.Thr441Ala; replaces threonine 441 with alanine.
Molecular consequence: missense variant. On other transcripts: non-coding transcript variant (2).
Genome position (GRCh38, 1-based): chr17:59,049,387, T>C on the plus strand (A>G on the coding strand, the complement: TRIM37 is on the minus strand). VCF-style: chr17-59049387-T-C. GRCh37 (hg19) VCF-style: chr17-57126748-T-C.
Other names: c.1321A>G (NM_015294.3); c.1321A>G, p.Thr441Ala (NM_001005207.5, NM_001320988.3, NM_001320989.3 and 1 more transcripts); c.1219A>G, p.Thr407Ala (NM_001320987.3, NM_001353082.2); c.955A>G, p.Thr319Ala (NM_001320990.3); c.586A>G, p.Thr196Ala (NM_001353083.2); c.859A>G, p.Thr287Ala (NM_001353085.2); c.1270A>G, p.Thr424Ala (NM_001353086.2); short protein forms T196A, T287A, T424A, T441A, T319A, T407A.
Identifiers: ClinVar variation 2059454 (VCV002059454.2), dbSNP rs774566905, ClinGen allele CA8678315.